The following is an entry in ClinVar:

NM_004562.3(PRKN):c.633A>T (p.Lys211Asn)

Gene: PRKN (parkin RBR E3 ubiquitin protein ligase; minus strand). Cytogenetic location: 6q26.
Variant type: single nucleotide variant.
Coding change: c.633A>T on transcript NM_004562.3 (MANE Select); coding-DNA position 633, A replaced by T.
Protein change: p.Lys211Asn; replaces lysine 211 with asparagine.
Molecular consequence: missense variant.
Genome position (GRCh38, 1-based): chr6:161,973,403, T>A on the plus strand (A>T on the coding strand, the complement: PRKN is on the minus strand). VCF-style: chr6-161973403-T-A. GRCh37 (hg19) VCF-style: chr6-162394435-T-A.
Other names: c.549A>T, p.Lys183Asn (NM_013987.3); c.186A>T, p.Lys62Asn (NM_013988.3); short protein forms K211N, K62N, K183N.
Identifiers: ClinVar variation 7051 (VCV000007051.13), dbSNP rs137853060, ClinGen allele CA254087.
Genomic context (GRCh38, chr6:161,973,403, plus strand): 5'-TGTTGCGATCAGGTGCAAAGCTACTGATGTTTCCTTGTCAGAGGTGGGGTGTGCTCCACA[T>A]TTAAAGAAAAATTCCTGAAAGAAAGATAAATATGATCACACACATGGATCCCGGCTGCTC-3'
Protein context (NP_004553.2, residues 201-221): CPGTSAEFFF[Lys211Asn]CGAHPTSDKE

ClinVar aggregate classification (germline): Pathogenic/Likely pathogenic. Review status: criteria provided, multiple submitters, no conflicts (2 of 4 stars). 7 submissions from 7 submitters: Pathogenic (3); Likely pathogenic (2). 2 of the submissions do not count toward it. Last evaluated 2025-04-11.

Conditions:
PARK2-related disorders.
Lung cancer. Also called: Lung cancer, somatic; Malignant tumor of lung. Identifiers: MedGen C0242379, MONDO:0008903, OMIM 211980.
Ovarian cancer. Also called: OVARIAN CANCER, SOMATIC. Identifiers: Orphanet 213500, MedGen C1140680, MONDO:0008170, OMIM 167000.
Autosomal recessive juvenile Parkinson disease 2. Also called: Parkinson disease autosomal recessive, early onset; Juvenile parkinsonism; Parkinsonism, early onset, with diurnal fluctuation; Parkinson disease, juvenile, type 2; PRKN-Related Early-Onset Parkinson Disease; PARKINSON DISEASE, JUVENILE, AUTOSOMAL RECESSIVE. Identifiers: Orphanet 2828, MedGen C1868675, MONDO:0010820, OMIM 600116.

Allele frequency attached by ClinVar (database versions not stated): TOPMed 0.00001; ExAC 0.00002; gnomAD exomes 0.00002.
gnomAD v4.1: 25 of 1,609,644 alleles (0.0016%); highest among the groups gnomAD compares: Non-Finnish European, 0.002%; no homozygotes.

Submissions (7):

Labcorp Genetics (formerly Invitae), Labcorp
Classification: Pathogenic. Last evaluated: 2025-04-11. Review status: criteria provided, single submitter. Criteria: Invitae Variant Classification Sherloc (09022015). Collection method: clinical testing. Allele origin: germline.
Comment: This sequence change replaces lysine, which is basic and polar, with asparagine, which is neutral and polar, at codon 211 of the PRKN protein (p.Lys211Asn). This variant is present in population databases (rs137853060, gnomAD 0.004%). This missense change has been observed in individual(s) with early-onset Parkinson disease (PMID: 11222808, 15970950, 25833766). In at least one individual the data is consistent with being in trans (on the opposite chromosome) from a pathogenic variant. It has also been observed to segregate with disease in related individuals. ClinVar contains an entry for this variant (Variation ID: 7051). Invitae Evidence Modeling of protein sequence and biophysical properties (such as structural, functional, and spatial information, amino acid conservation, physicochemical variation, residue mobility, and thermodynamic stability) indicates that this missense variant is expected to disrupt PRKN protein function with a positive predictive value of 80%. Experimental studies have shown that this missense change affects PRKN function (PMID: 25591737). For these reasons, this variant has been classified as Pathogenic.

Fulgent Genetics
Classification: Likely pathogenic for Ovarian cancer; Lung cancer; Autosomal recessive juvenile Parkinson disease 2. Last evaluated: 2024-04-17. Review status: criteria provided, single submitter. Criteria: ACMG Guidelines, 2015. Collection method: clinical testing. Allele origin: germline.

Mayo Clinic Laboratories, Mayo Clinic
Classification: Pathogenic. Last evaluated: 2023-10-09. Review status: criteria provided, single submitter. Criteria: ACMG Guidelines, 2015. Collection method: clinical testing. Allele origin: germline. Observed: 1 variant allele.
Comment: PM2_moderate, PM3_strong, PS3_moderate, PS4_moderate

Human Genetics Bochum, Ruhr University Bochum
Classification: Likely pathogenic for Autosomal recessive juvenile Parkinson disease 2. Last evaluated: 2023-05-09. Review status: criteria provided, single submitter. Criteria: ACMG Guidelines, 2015. Collection method: clinical testing. Allele origin: germline. Affected: yes.
Comment: ACMG criteria used to clasify this variant: PM1, PP3_MOD, PS3_SUP, PP2

Blueprint Genetics
Classification: Pathogenic for PARK2-related disorders. Last evaluated: 2023-05-08. Review status: criteria provided, single submitter. Criteria: ACMG Guidelines, 2015. Collection method: clinical testing. Allele origin: germline. Affected: yes. Observed: 4 variant alleles.

Solve-RD Consortium
Classification: Likely pathogenic for Ovarian cancer. Last evaluated: 2022-06-01. Review status: no assertion criteria provided. Collection method: provider interpretation. Allele origin: inherited. Affected: yes. Not counted in ClinVar's aggregate classification.
Comment: Variant confirmed as disease-causing by referring clinical team

Variant identified during reanalysis of unsolved cases by the Solve-RD project. The Solve-RD project has received funding from the European Union’s Horizon 2020 research and innovation programme under grant agreement No 779257.

OMIM
Classification: Pathogenic for PARKINSON DISEASE 2, AUTOSOMAL RECESSIVE JUVENILE. Last evaluated: 2005-09-01. Review status: no assertion criteria provided. Collection method: literature only. Allele origin: germline. Not counted in ClinVar's aggregate classification.

Literature cited by the submitters: PubMed 11222808 (cited by Labcorp Genetics (formerly Invitae), Labcorp); PubMed 15970950 (cited by Labcorp Genetics (formerly Invitae), Labcorp and OMIM); PubMed 25833766 (cited by Labcorp Genetics (formerly Invitae), Labcorp and Mayo Clinic Laboratories, Mayo Clinic); PubMed 25591737 (cited by Labcorp Genetics (formerly Invitae), Labcorp); PubMed 10824074 (cited by Mayo Clinic Laboratories, Mayo Clinic); PubMed 16714300 (cited by Mayo Clinic Laboratories, Mayo Clinic); PubMed 25939424 (cited by Mayo Clinic Laboratories, Mayo Clinic); PubMed 30994895 (cited by Mayo Clinic Laboratories, Mayo Clinic); PubMed 33045815 (cited by Mayo Clinic Laboratories, Mayo Clinic); PubMed 33845304 (cited by Mayo Clinic Laboratories, Mayo Clinic); PubMed 39825153 (cited by Solve-RD Consortium).